The following is an entry in ClinVar:

NM_022726.4(ELOVL4):c.942T>G (p.Asp314Glu)

Gene: ELOVL4 (ELOVL fatty acid elongase 4; minus strand). Cytogenetic location: 6q14.1.
Variant type: single nucleotide variant.
Coding change: c.942T>G on transcript NM_022726.4 (MANE Select); coding-DNA position 942, T replaced by G.
Protein change: p.Asp314Glu; replaces aspartic acid 314 with glutamic acid.
Molecular consequence: missense variant.
Genome position (GRCh38, 1-based): chr6:79,916,611, A>C on the plus strand (T>G on the coding strand, the complement: ELOVL4 is on the minus strand). VCF-style: chr6-79916611-A-C. GRCh37 (hg19) VCF-style: chr6-80626328-A-C.
Other names: short protein forms D314E.
Identifiers: ClinVar variation 2988959 (VCV002988959.3), dbSNP rs763447580, ClinGen allele CA3901438.

ClinVar aggregate classification (germline): Uncertain significance (1 of 4 stars; one submission).

Allele frequency attached by ClinVar (database versions not stated): ExAC 0.00001; gnomAD exomes 0.00001; TOPMed 0.00001.
gnomAD v4.1: 8 of 1,613,740 alleles (0.0005%); highest among the groups gnomAD compares: Admixed American, 0.0033%; no homozygotes.

Submission:

Labcorp Genetics (formerly Invitae), Labcorp
Classification: Uncertain significance. Last evaluated: 2022-11-17. Review status: criteria provided, single submitter. Criteria: Invitae Variant Classification Sherloc (09022015). Collection method: clinical testing. Allele origin: germline.
Comment: In summary, the available evidence is currently insufficient to determine the role of this variant in disease. Therefore, it has been classified as a Variant of Uncertain Significance. Algorithms developed to predict the effect of missense changes on protein structure and function output the following: SIFT: "Tolerated"; PolyPhen-2: "Not Available"; Align-GVGD: "Class C0". The glutamic acid amino acid residue is found in multiple mammalian species, which suggests that this missense change does not adversely affect protein function. This variant has not been reported in the literature in individuals affected with ELOVL4-related conditions. This variant is present in population databases (rs763447580, gnomAD 0.003%). This sequence change replaces aspartic acid, which is acidic and polar, with glutamic acid, which is acidic and polar, at codon 314 of the ELOVL4 protein (p.Asp314Glu).